The following is an entry in ClinVar:

NM_004304.5(ALK):c.2133C>G (p.Ser711Arg)

Gene: ALK (ALK receptor tyrosine kinase; minus strand). Cytogenetic location: 2p23.2.
Variant type: single nucleotide variant.
Coding change: c.2133C>G on transcript NM_004304.5 (MANE Select); coding-DNA position 2133, C replaced by G.
Protein change: p.Ser711Arg; replaces serine 711 with arginine.
Molecular consequence: missense variant.
Genome position (GRCh38, 1-based): chr2:29,251,176, G>C on the plus strand (C>G on the coding strand, the complement: ALK is on the minus strand). VCF-style: chr2-29251176-G-C. GRCh37 (hg19) VCF-style: chr2-29474042-G-C.
Other names: c.2133C>G (NM_004304.4); short protein forms S711R.
Identifiers: ClinVar variation 3679390 (VCV003679390.4).

ClinVar aggregate classification (germline): Uncertain significance. Review status: criteria provided, multiple submitters, no conflicts (2 of 4 stars). 3 submissions from 3 submitters: Uncertain significance (3). Last evaluated 2026-02-20.

Conditions:
Neuroblastoma, susceptibility to, 3. Also called: ALK-Related Neuroblastic Tumor Susceptibility. Identifiers: Orphanet 635, MedGen C2751681, MONDO:0013083, OMIM 613014.
Hereditary cancer-predisposing syndrome. Also called: Hereditary Cancer Syndrome; Tumor predisposition; Hereditary neoplastic syndrome; Neoplastic Syndromes, Hereditary. Identifiers: Orphanet 140162, MedGen C0027672, MeSH D009386, MONDO:0015356.

Submissions (3):

St. Jude Molecular Pathology, St. Jude Children's Research Hospital
Classification: Uncertain significance for Neuroblastoma, susceptibility to, 3. Last evaluated: 2026-02-20. Review status: criteria provided, single submitter. Criteria: St. Jude Assertion Criteria 2020. Collection method: clinical testing. Allele origin: germline.
Comment: The ALK c.2133C>G p.(Ser711Arg) missense change is absent in gnomAD v2.1.1. The in silico tool REVEL is inconclusive about a pathogenic or benign effect of this variant on protein function, and to our knowledge functional studies have not been performed. To our knowledge, this variant has not been reported in the literature in individuals with ALK-related neuroblastic tumor susceptibility. In summary, the evidence currently available is insuff icient to determine the clinical significance of this variant. It has therefore been classified as of uncertain significance.

Labcorp Genetics (formerly Invitae), Labcorp
Classification: Uncertain significance for Neuroblastoma, susceptibility to, 3. Last evaluated: 2025-10-07. Review status: criteria provided, single submitter. Criteria: Invitae Variant Classification Sherloc (09022015). Collection method: clinical testing. Allele origin: germline.
Comment: This sequence change replaces serine, which is neutral and polar, with arginine, which is basic and polar, at codon 711 of the ALK protein (p.Ser711Arg). This variant is not present in population databases (gnomAD no frequency). This variant has not been reported in the literature in individuals affected with ALK-related conditions. ClinVar contains an entry for this variant (Variation ID: 3679390). An algorithm developed to predict the effect of missense changes on protein structure and function (PolyPhen-2) suggests that this variant is likely to be tolerated. In summary, the available evidence is currently insufficient to determine the role of this variant in disease. Therefore, it has been classified as a Variant of Uncertain Significance.

Ambry Genetics
Classification: Uncertain significance for Hereditary cancer-predisposing syndrome. Last evaluated: 2025-04-28. Review status: criteria provided, single submitter. Criteria: Ambry Variant Classification Scheme 2023. Collection method: clinical testing. Allele origin: germline.
Comment: The p.S711R variant (also known as c.2133C>G), located in coding exon 12 of the ALK gene, results from a C to G substitution at nucleotide position 2133. The serine at codon 711 is replaced by arginine, an amino acid with dissimilar properties. This amino acid position is not well conserved in available vertebrate species. In addition, this alteration is predicted to be tolerated by in silico analysis. Based on the available evidence, the clinical significance of this variant remains unclear.